The following is an entry in ClinVar:

NM_001105206.3(LAMA4):c.892G>A (p.Val298Met)

Gene: LAMA4 (laminin subunit alpha 4; minus strand). Cytogenetic location: 6q21.
Variant type: single nucleotide variant.
Coding change: c.892G>A on transcript NM_001105206.3 (MANE Select); coding-DNA position 892, G replaced by A.
Protein change: p.Val298Met; replaces valine 298 with methionine.
Molecular consequence: missense variant.
Genome position (GRCh38, 1-based): chr6:112,187,524, C>T on the plus strand (G>A on the coding strand, the complement: LAMA4 is on the minus strand). VCF-style: chr6-112187524-C-T. GRCh37 (hg19) VCF-style: chr6-112508726-C-T.
Other names: c.871G>A, p.Val291Met (NM_001105207.3, NM_002290.5); c.871G>A (LRG_433t2); short protein forms V291M, V298M.
Identifiers: ClinVar variation 518794 (VCV000518794.14), dbSNP rs927160835, ClinGen allele CA144883887.

ClinVar aggregate classification (germline): Uncertain significance. Review status: criteria provided, multiple submitters, no conflicts (2 of 4 stars). 3 submissions from 3 submitters: Uncertain significance (3). Last evaluated 2024-09-23.

Conditions:
Dilated cardiomyopathy 1JJ (CMD1JJ). Identifiers: Orphanet 154, MedGen C3808935, MONDO:0014095, OMIM 615235.
Cardiovascular phenotype. Identifiers: MedGen CN230736.

Allele frequency attached by ClinVar (database versions not stated): gnomAD exomes below 0.00001.
gnomAD v4.1: 3 of 1,614,112 alleles (0.00019%); highest among the groups gnomAD compares: South Asian, 0.0011%; no homozygotes.

Submissions (3):

Labcorp Genetics (formerly Invitae), Labcorp
Classification: Uncertain significance for Dilated cardiomyopathy 1JJ. Last evaluated: 2024-09-23. Review status: criteria provided, single submitter. Criteria: Invitae Variant Classification Sherloc (09022015). Collection method: clinical testing. Allele origin: germline.
Comment: This sequence change replaces valine, which is neutral and non-polar, with methionine, which is neutral and non-polar, at codon 291 of the LAMA4 protein (p.Val291Met). This variant is present in population databases (no rsID available, gnomAD 0.003%). This variant has not been reported in the literature in individuals affected with LAMA4-related conditions. ClinVar contains an entry for this variant (Variation ID: 518794). An algorithm developed to predict the effect of missense changes on protein structure and function (PolyPhen-2) suggests that this variant is likely to be tolerated. In summary, the available evidence is currently insufficient to determine the role of this variant in disease. Therefore, it has been classified as a Variant of Uncertain Significance.

GeneDx
Classification: Uncertain significance. Last evaluated: 2023-11-29. Review status: criteria provided, single submitter. Criteria: GeneDx Variant Classification Process June 2021. Collection method: clinical testing. Allele origin: germline. Affected: yes.
Comment: Has not been previously published as pathogenic or benign to our knowledge; Not observed at a significant frequency in large population cohorts (gnomAD); In silico analysis supports that this missense variant does not alter protein structure/function

Ambry Genetics
Classification: Uncertain significance for Cardiovascular phenotype. Last evaluated: 2023-05-11. Review status: criteria provided, single submitter. Criteria: Ambry Variant Classification Scheme 2023. Collection method: clinical testing. Allele origin: germline.
Comment: The p.V291M variant (also known as c.871G>A), located in coding exon 7 of the LAMA4 gene, results from a G to A substitution at nucleotide position 871. The valine at codon 291 is replaced by methionine, an amino acid with highly similar properties. This variant was not reported in population based cohorts in the following databases: Database of Single Nucleotide Polymorphisms (dbSNP), NHLBI Exome Sequencing Project (ESP), and 1000 Genomes Project. In the ESP, this variant was not observed in 6503 samples (13006 alleles) with coverage at this position. This amino acid position is poorly conserved in available vertebrate species. In addition, this alteration is predicted to be tolerated by in silico analysis. Since supporting evidence is limited at this time, the clinical significance of this variant remains unclear.